The following is an entry in ClinVar:

NM_001029883.3(PCARE):c.3437C>A (p.Pro1146Gln)

Gene: PCARE (photoreceptor cilium actin regulator; minus strand). Cytogenetic location: 2p23.2.
Variant type: single nucleotide variant.
Coding change: c.3437C>A on transcript NM_001029883.3 (MANE Select); coding-DNA position 3437, C replaced by A.
Protein change: p.Pro1146Gln; replaces proline 1146 with glutamine.
Molecular consequence: missense variant.
Genome position (GRCh38, 1-based): chr2:29,070,825, G>T on the plus strand (C>A on the coding strand, the complement: PCARE is on the minus strand). VCF-style: chr2-29070825-G-T. GRCh37 (hg19) VCF-style: chr2-29293691-G-T.
Other names: short protein forms P1146Q.
Identifiers: ClinVar variation 1044018 (VCV001044018.9), dbSNP rs372078185, ClinGen allele CA1591940.

ClinVar aggregate classification (germline): Uncertain significance (1 of 4 stars; one submission).

Allele frequency attached by ClinVar (database versions not stated): gnomAD exomes 0.00001; ExAC 0.00002; gnomAD 0.00003 and 0.00004; TOPMed 0.00007; ESP Exome Variant Server 0.00008.

Submission:

Labcorp Genetics (formerly Invitae), Labcorp
Classification: Uncertain significance. Last evaluated: 2022-06-03. Review status: criteria provided, single submitter. Criteria: Invitae Variant Classification Sherloc (09022015). Collection method: clinical testing. Allele origin: germline.
Comment: In summary, the available evidence is currently insufficient to determine the role of this variant in disease. Therefore, it has been classified as a Variant of Uncertain Significance. Algorithms developed to predict the effect of missense changes on protein structure and function output the following: SIFT: "Tolerated"; PolyPhen-2: "Possibly Damaging"; Align-GVGD: "Class C0". The glutamine amino acid residue is found in multiple mammalian species, which suggests that this missense change does not adversely affect protein function. ClinVar contains an entry for this variant (Variation ID: 1044018). This variant has not been reported in the literature in individuals affected with PCARE-related conditions. This variant is present in population databases (rs372078185, gnomAD 0.01%). This sequence change replaces proline, which is neutral and non-polar, with glutamine, which is neutral and polar, at codon 1146 of the PCARE protein (p.Pro1146Gln).